The following is an entry in ClinVar:

NM_144997.7(FLCN):c.154_175del (p.Ile52fs)

Gene: FLCN (folliculin; minus strand). Cytogenetic location: 17p11.2.
Variant type: Deletion.
Coding change: c.154_175del on transcript NM_144997.7 (MANE Select); coding-DNA positions 154 to 175, 22 bases deleted (ATTCAGATGAACAGTCGGATGC).
Protein change: p.Ile52fs; shifts the reading frame from isoleucine 52.
Molecular consequence: frameshift variant.
Genome position (GRCh38, 1-based): chr17:17,227,963-17,227,984, GCATCCGACTGTTCATCTGAAT deleted on the plus strand (ATTCAGATGAACAGTCGGATGC on the coding strand, the reverse complement: FLCN is on the minus strand); deleting any 22 consecutive bases within chr17:17,227,963-17,227,986 gives the same sequence; the c. name uses the placement nearest the transcript's 3' end. VCF-style (leftmost placement, unchanged base first): chr17-17227962-CGCATCCGACTGTTCATCTGAAT-C. GRCh37 (hg19) VCF-style: chr17-17131276-CGCATCCGACTGTTCATCTGAAT-C.
Other names: c.154_175del, p.Ile52fs (NM_001353229.2, NM_001353230.2, NM_001353231.2 and 1 more transcripts); c.154_175del22 (NM_144997.5); short protein forms I52fs.
Identifiers: ClinVar variation 4871387 (VCV004871387.1).

ClinVar aggregate classification (germline): Pathogenic (1 of 4 stars; one submission).

Conditions:
Hereditary cancer-predisposing syndrome. Also called: Neoplastic Syndromes, Hereditary; Hereditary Cancer Syndrome; Hereditary neoplastic syndrome; Tumor predisposition. Identifiers: Orphanet 140162, MedGen C0027672, MeSH D009386, MONDO:0015356.

Submission:

Ambry Genetics
Classification: Pathogenic for Hereditary cancer-predisposing syndrome. Last evaluated: 2026-04-24. Review status: criteria provided, single submitter. Criteria: Ambry Variant Classification Scheme 2023. Collection method: clinical testing. Allele origin: germline.
Comment: The c.154_175del22 pathogenic mutation, located in coding exon 1 of the FLCN gene, results from a deletion of 22 nucleotides at nucleotide positions 154 to 175, causing a translational frameshift with a predicted alternate stop codon (p.I52Vfs*71). This variant is considered to be rare based on population cohorts in the Genome Aggregation Database (gnomAD). This variant is expected to result in loss of function by premature protein truncation or nonsense-mediated mRNA decay. As such, this variant is interpreted as a disease-causing mutation.